The following is an entry in ClinVar:

ClinVar aggregate classification (germline): Uncertain significance. Review status: criteria provided, multiple submitters, no conflicts (2 of 4 stars). 2 submissions from 2 submitters: Uncertain significance (2). Last evaluated 2024-08-28.

Conditions:
Symmetrical dyschromatosis of extremities (DSH). Also called: DYSCHROMATOSIS SYMMETRICA HEREDITARIA 1; RETICULATE ACROPIGMENTATION OF DOHI; SYMMETRIC DYSCHROMATOSIS OF THE EXTREMITIES; Dyschromatosis symmetrica hereditaria. Identifiers: Orphanet 41, MedGen C0406775, MONDO:0007483, OMIM 127400.
Aicardi-Goutieres syndrome 6 (AGS6). Identifiers: Orphanet 51, MedGen C3539013, MONDO:0014007, OMIM 615010.

Submissions (2):

GeneDx
Classification: Uncertain significance. Last evaluated: 2024-08-28. Review status: criteria provided, single submitter. Criteria: GeneDx Variant Classification Process June 2021. Collection method: clinical testing. Allele origin: germline. Affected: yes.
Comment: Not observed at significant frequency in large population cohorts (gnomAD); In silico analysis supports that this missense variant has a deleterious effect on protein structure/function; Has not been previously published as pathogenic or benign to our knowledge

Labcorp Genetics (formerly Invitae), Labcorp
Classification: Uncertain significance for Aicardi-Goutieres syndrome 6; Symmetrical dyschromatosis of extremities. Last evaluated: 2023-09-15. Review status: criteria provided, single submitter. Criteria: Invitae Variant Classification Sherloc (09022015). Collection method: clinical testing. Allele origin: germline.
Comment: Advanced modeling of protein sequence and biophysical properties (such as structural, functional, and spatial information, amino acid conservation, physicochemical variation, residue mobility, and thermodynamic stability) performed at Invitae indicates that this missense variant is not expected to disrupt ADAR protein function. This variant has not been reported in the literature in individuals affected with ADAR-related conditions. This variant is not present in population databases (gnomAD no frequency). This sequence change replaces cysteine, which is neutral and slightly polar, with phenylalanine, which is neutral and non-polar, at codon 1129 of the ADAR protein (p.Cys1129Phe). In summary, the available evidence is currently insufficient to determine the role of this variant in disease. Therefore, it has been classified as a Variant of Uncertain Significance.

NM_001111.5(ADAR):c.3386G>T (p.Cys1129Phe)

Gene: ADAR (adenosine deaminase RNA specific; minus strand). Cytogenetic location: 1q21.3.
Variant type: single nucleotide variant.
Coding change: c.3386G>T on transcript NM_001111.5 (MANE Select); coding-DNA position 3386, G replaced by T.
Protein change: p.Cys1129Phe; replaces cysteine 1129 with phenylalanine.
Molecular consequence: missense variant.
Genome position (GRCh38, 1-based): chr1:154,585,274, C>A on the plus strand (G>T on the coding strand, the complement: ADAR is on the minus strand). VCF-style: chr1-154585274-C-A. GRCh37 (hg19) VCF-style: chr1-154557750-C-A.
Other names: c.3386G>T (NM_001111.4); c.2501G>T, p.Cys834Phe (NM_001025107.3, NM_001193495.2, NM_001365046.1 and 2 more transcripts); c.3413G>T, p.Cys1138Phe (NM_001365045.1); c.2423G>T, p.Cys808Phe (NM_001365049.1); c.3308G>T, p.Cys1103Phe (NM_015840.4); c.3251G>T, p.Cys1084Phe (NM_015841.4); short protein forms C834F, C1129F, C808F, C1138F, C1084F, C1103F.
Identifiers: ClinVar variation 2951957 (VCV002951957.4), dbSNP rs2526449569, ClinGen allele CA342635076.